The following is an entry in ClinVar:

ClinVar aggregate classification (germline): Uncertain significance. Review status: criteria provided, multiple submitters, no conflicts (2 of 4 stars). 3 submissions from 3 submitters: Uncertain significance (2). 1 of the submissions does not count toward it. Last evaluated 2023-03-07.

Conditions:
Microcephaly, normal intelligence and immunodeficiency (NBS). Also called: Nijmegen breakage syndrome; Microcephaly with normal intelligence immunodeficiency and lymphoreticular malignancies; Nonsyndromal microcephaly autosomal recessive with normal intelligence; Seemanova syndrome 2; BERLIN BREAKAGE SYNDROME; IMMUNODEFICIENCY, MICROCEPHALY, AND CHROMOSOMAL INSTABILITY. Identifiers: Orphanet 647, MedGen C0398791, MONDO:0009623, OMIM 251260.

gnomAD v4.1: 2 of 1,612,720 alleles (0.00012%); highest among the groups gnomAD compares: Non-Finnish European, 0.00017%; no homozygotes.

Submissions (3):

Labcorp Genetics (formerly Invitae), Labcorp
Classification: Uncertain significance for Microcephaly, normal intelligence and immunodeficiency. Last evaluated: 2023-03-07. Review status: criteria provided, single submitter. Criteria: Invitae Variant Classification Sherloc (09022015). Collection method: clinical testing. Allele origin: germline.
Comment: In summary, the available evidence is currently insufficient to determine the role of this variant in disease. Therefore, it has been classified as a Variant of Uncertain Significance. Variants that disrupt the consensus splice site are a relatively common cause of aberrant splicing (PMID: 17576681, 9536098). Algorithms developed to predict the effect of sequence changes on RNA splicing suggest that this variant is not likely to affect RNA splicing. ClinVar contains an entry for this variant (Variation ID: 216568). This variant has not been reported in the literature in individuals affected with NBN-related conditions. This variant is not present in population databases (gnomAD no frequency). This sequence change falls in intron 1 of the NBN gene. It does not directly change the encoded amino acid sequence of the NBN protein. It affects a nucleotide within the consensus splice site.

Genome-Nilou Lab
Classification: Uncertain significance for Microcephaly, normal intelligence and immunodeficiency. Last evaluated: 2021-11-07. Review status: criteria provided, single submitter. Criteria: ACMG Guidelines, 2015. Collection method: clinical testing. Allele origin: germline. Affected: no.

Counsyl
Classification: Uncertain significance for Microcephaly, normal intelligence and immunodeficiency. Last evaluated: 2017-02-22. Review status: no assertion criteria provided. Collection method: clinical testing. Allele origin: unknown. Not counted in ClinVar's aggregate classification.

Literature cited by the submitters: PubMed 17576681 (cited by Labcorp Genetics (formerly Invitae), Labcorp); PubMed 9536098 (cited by Labcorp Genetics (formerly Invitae), Labcorp).

NM_002485.5(NBN):c.37+6G>T

Gene: NBN (nibrin; minus strand). Cytogenetic location: 8q21.3.
Variant type: single nucleotide variant.
Coding change: c.37+6G>T on transcript NM_002485.5 (MANE Select); 6 bases into the intron after coding-DNA position 37, G replaced by T.
Molecular consequence: intron variant.
Genome position (GRCh38, 1-based): chr8:89,984,519, C>A on the plus strand (G>T on the coding strand, the complement: NBN is on the minus strand). VCF-style: chr8-89984519-C-A. GRCh37 (hg19) VCF-style: chr8-90996747-C-A.
Other names: c.-260+6G>T (NM_001024688.3).
Identifiers: ClinVar variation 216568 (VCV000216568.16), dbSNP rs540868733, ClinGen allele CA336027.